The following is an entry in ClinVar:

ClinVar aggregate classification (germline): Pathogenic (1 of 4 stars; one submission).

Submission:

Labcorp Genetics (formerly Invitae), Labcorp
Classification: Pathogenic. Last evaluated: 2021-04-23. Review status: criteria provided, single submitter. Criteria: Invitae Variant Classification Sherloc (09022015). Collection method: clinical testing. Allele origin: germline.
Comment: This sequence change creates a premature translational stop signal (p.Ser404Argfs*9) in the PRPF31 gene. It is expected to result in an absent or disrupted protein product. Loss-of-function variants in PRPF31 are known to be pathogenic (PMID: 18317597, 23950152). This variant is not present in population databases (ExAC no frequency). This variant has not been reported in the literature in individuals with PRPF31-related conditions. For these reasons, this variant has been classified as Pathogenic.

Literature cited by the submitters: PubMed 18317597; PubMed 23950152.

NM_015629.4(PRPF31):c.1212del (p.Ser404fs)

Gene: PRPF31 (pre-mRNA processing factor 31; plus strand). Cytogenetic location: 19q13.42.
Variant type: Deletion.
Coding change: c.1212del on transcript NM_015629.4 (MANE Select); coding-DNA position 1212, one base deleted (T; older notation c.1212delT).
Protein change: p.Ser404fs; shifts the reading frame from serine 404.
Molecular consequence: frameshift variant.
Genome position (GRCh38, 1-based): chr19:54,129,122, T deleted. VCF-style (leftmost placement, unchanged base first): chr19-54129121-GT-G. GRCh37 (hg19) VCF-style: chr19-54632496-GT-G.
Other names: short protein forms S404fs.
Identifiers: ClinVar variation 1427987 (VCV001427987.6), dbSNP rs2146450184, ClinGen allele CA2573156671.
Genomic context (GRCh38, chr19:54,129,121, plus strand): 5'-AGGAGGACGCCTACCAGGAGGACCTGGGATTCAGCCTGGGCCACCTGGGCAAGTCGGGCA[GT>G]GGGCGTGTGCGGCAGACACAGGTAAACGAGGCCACCAAGGCCAGGATCTCCAAGACGCTG-3'